The following is an entry in ClinVar:

ClinVar aggregate classification (germline): Pathogenic. Review status: criteria provided, multiple submitters, no conflicts (2 of 4 stars). 2 submissions from 2 submitters: Pathogenic (2). Last evaluated 2023-06-04.

Conditions:
Familial cancer of breast. Also called: BREAST CANCER, FAMILIAL; hereditary breast carcinoma; Hereditary breast cancer. Identifiers: Orphanet 227535, MedGen C0346153, MONDO:0016419, OMIM 114480. Disease mechanism: loss of function.
Fanconi anemia complementation group J. Also called: BRIP1-Related Fanconi Anemia. Identifiers: Orphanet 84, MedGen C1836860, MONDO:0012187, OMIM 609054.

Submissions (2):

Labcorp Genetics (formerly Invitae), Labcorp
Classification: Pathogenic for Familial cancer of breast; Fanconi anemia complementation group J. Last evaluated: 2023-06-04. Review status: criteria provided, single submitter. Criteria: Invitae Variant Classification Sherloc (09022015). Collection method: clinical testing. Allele origin: germline.
Comment: For these reasons, this variant has been classified as Pathogenic. This variant has not been reported in the literature in individuals affected with BRIP1-related conditions. This variant is not present in population databases (gnomAD no frequency). This sequence change creates a premature translational stop signal (p.Val687Glufs*29) in the BRIP1 gene. It is expected to result in an absent or disrupted protein product. Loss-of-function variants in BRIP1 are known to be pathogenic (PMID: 16116423, 17033622, 21964575).

Myriad Genetics, Inc.
Classification: Pathogenic for Familial cancer of breast. Last evaluated: 2023-01-17. Review status: criteria provided, single submitter. Criteria: Myriad Autosomal Dominant, Autosomal Recessive and X-Linked Classification Criteria (2023). Collection method: clinical testing. Allele origin: unknown.
Comment: This variant is considered pathogenic. This variant creates a frameshift predicted to result in premature protein truncation.

Literature cited by the submitters: PubMed 16116423 (cited by Labcorp Genetics (formerly Invitae), Labcorp); PubMed 17033622 (cited by Labcorp Genetics (formerly Invitae), Labcorp); PubMed 21964575 (cited by Labcorp Genetics (formerly Invitae), Labcorp).

NM_032043.3(BRIP1):c.2060_2061del (p.Val687fs)

Gene: BRIP1 (BRCA1 interacting DNA helicase 1; minus strand). Cytogenetic location: 17q23.2.
Variant type: Microsatellite.
Coding change: c.2060_2061del on transcript NM_032043.3 (MANE Select); coding-DNA positions 2060 to 2061, 2 bases deleted (TG; older notation c.2060_2061delTG).
Protein change: p.Val687fs; shifts the reading frame from valine 687.
Molecular consequence: frameshift variant.
Genome position (GRCh38, 1-based): chr17:61,776,437-61,776,438, CA deleted on the plus strand (TG on the coding strand, the reverse complement: BRIP1 is on the minus strand); deleting any 2 consecutive bases within chr17:61,776,437-61,776,440 gives the same sequence; the c. name uses the placement nearest the transcript's 3' end. VCF-style (leftmost placement, unchanged base first): chr17-61776436-TCA-T. GRCh37 (hg19) VCF-style: chr17-59853797-TCA-T.
Other names: short protein forms V687fs.
Identifiers: ClinVar variation 2431263 (VCV002431263.4), dbSNP rs2544996726, ClinGen allele CA2580613186.